The following is an entry in ClinVar:

NM_006231.4(POLE):c.4985A>G (p.Glu1662Gly)

Gene: POLE (DNA polymerase epsilon, catalytic subunit; minus strand). Cytogenetic location: 12q24.33.
Variant type: single nucleotide variant.
Coding change: c.4985A>G on transcript NM_006231.4 (MANE Select); coding-DNA position 4985, A replaced by G.
Protein change: p.Glu1662Gly; replaces glutamic acid 1662 with glycine.
Molecular consequence: missense variant.
Genome position (GRCh38, 1-based): chr12:132,642,365, T>C on the plus strand (A>G on the coding strand, the complement: POLE is on the minus strand). VCF-style: chr12-132642365-T-C. GRCh37 (hg19) VCF-style: chr12-133218951-T-C.
Other names: short protein forms E1662G.
Identifiers: ClinVar variation 845931 (VCV000845931.13), dbSNP rs755176384, ClinGen allele CA6892646.

ClinVar aggregate classification (germline): Uncertain significance. Review status: criteria provided, multiple submitters, no conflicts (2 of 4 stars). 2 submissions from 2 submitters: Uncertain significance (2). Last evaluated 2025-07-29.

Conditions:
Hereditary cancer-predisposing syndrome. Also called: Tumor predisposition; Hereditary neoplastic syndrome; Neoplastic Syndromes, Hereditary; Hereditary Cancer Syndrome. Identifiers: Orphanet 140162, MedGen C0027672, MeSH D009386, MONDO:0015356.

Allele frequency attached by ClinVar (database versions not stated): gnomAD exomes below 0.00001; ExAC 0.00001; TOPMed 0.00002; gnomAD 0.00003.
gnomAD v4.1: 5 of 1,581,644 alleles (0.00032%); highest among the groups gnomAD compares: African/African-American, 0.0054%; no homozygotes.

Submissions (2):

Labcorp Genetics (formerly Invitae), Labcorp
Classification: Uncertain significance. Last evaluated: 2025-07-29. Review status: criteria provided, single submitter. Criteria: Invitae Variant Classification Sherloc (09022015). Collection method: clinical testing. Allele origin: germline.
Comment: This sequence change replaces glutamic acid, which is acidic and polar, with glycine, which is neutral and non-polar, at codon 1662 of the POLE protein (p.Glu1662Gly). This variant is present in population databases (rs755176384, gnomAD 0.007%). This variant has not been reported in the literature in individuals affected with POLE-related conditions. ClinVar contains an entry for this variant (Variation ID: 845931). Invitae Evidence Modeling of protein sequence and biophysical properties (such as structural, functional, and spatial information, amino acid conservation, physicochemical variation, residue mobility, and thermodynamic stability) indicates that this missense variant is not expected to disrupt POLE protein function with a negative predictive value of 80%. In summary, the available evidence is currently insufficient to determine the role of this variant in disease. Therefore, it has been classified as a Variant of Uncertain Significance.

Ambry Genetics
Classification: Uncertain significance for Hereditary cancer-predisposing syndrome. Last evaluated: 2024-03-23. Review status: criteria provided, single submitter. Criteria: Ambry Variant Classification Scheme 2023. Collection method: clinical testing. Allele origin: germline.
Comment: The p.E1662G variant (also known as c.4985A>G), located in coding exon 38 of the POLE gene, results from an A to G substitution at nucleotide position 4985. The glutamic acid at codon 1662 is replaced by glycine, an amino acid with similar properties. This amino acid position is conserved. In addition, this alteration is predicted to be tolerated by in silico analysis. Since supporting evidence is limited at this time, the clinical significance of this alteration remains unclear.